The following is an entry in ClinVar:

ClinVar aggregate classification (germline): Uncertain significance (1 of 4 stars; one submission).

Submissions (2):

Labcorp Genetics (formerly Invitae), Labcorp
Classification: Uncertain significance. Last evaluated: 2021-09-24. Review status: criteria provided, single submitter. Criteria: Invitae Variant Classification Sherloc (09022015). Collection method: clinical testing. Allele origin: germline.
Comment: In summary, the available evidence is currently insufficient to determine the role of this variant in disease. Therefore, it has been classified as a Variant of Uncertain Significance. Algorithms developed to predict the effect of missense changes on protein structure and function (SIFT, PolyPhen-2, Align-GVGD) all suggest that this variant is likely to be tolerated. This variant has not been reported in the literature in individuals affected with FH-related conditions. This variant is not present in population databases (ExAC no frequency). This sequence change replaces lysine with glutamic acid at codon 414 of the FH protein (p.Lys414Glu). The lysine residue is moderately conserved and there is a small physicochemical difference between lysine and glutamic acid.

Blake Wilde Laboratory, Roswell Park Comprehensive Cancer Center
No classification provided (evidence only). Condition: Hereditary leiomyomatosis and renal cell cancer. Review status: no classification provided. Collection method: in vitro. Allele origin: not applicable. Functional consequence: decreased enzyme activity. Not counted in ClinVar's aggregate classification.

NM_000143.4(FH):c.1240A>G (p.Lys414Glu)

Gene: FH (fumarate hydratase; minus strand). Cytogenetic location: 1q43.
Variant type: single nucleotide variant.
Coding change: c.1240A>G on transcript NM_000143.4 (MANE Select); coding-DNA position 1240, A replaced by G.
Protein change: p.Lys414Glu; replaces lysine 414 with glutamic acid.
Molecular consequence: missense variant.
Genome position (GRCh38, 1-based): chr1:241,500,587, T>C on the plus strand (A>G on the coding strand, the complement: FH is on the minus strand). VCF-style: chr1-241500587-T-C. GRCh37 (hg19) VCF-style: chr1-241663887-T-C.
Other names: short protein forms K414E.
Identifiers: ClinVar variation 1008152 (VCV001008152.7), dbSNP rs1573878145, ClinGen allele CA345436951.